The following is an entry in ClinVar:

ClinVar aggregate classification (germline): Uncertain significance. Review status: criteria provided, multiple submitters, no conflicts (2 of 4 stars). 3 submissions from 3 submitters: Uncertain significance (3). Last evaluated 2025-04-08.

Conditions:
Hereditary cancer-predisposing syndrome. Also called: Neoplastic Syndromes, Hereditary; Hereditary Cancer Syndrome; Tumor predisposition; Hereditary neoplastic syndrome. Identifiers: Orphanet 140162, MedGen C0027672, MeSH D009386, MONDO:0015356.
Hereditary breast ovarian cancer syndrome. Also called: Hereditary breast and ovarian cancer syndrome; Hereditary breast and ovarian cancer syndrome (HBOC); BRCA1- and BRCA2-Associated Hereditary Breast and Ovarian Cancer; Hereditary breast and ovarian cancer; Hereditary breast and/or ovarian cancer syndrome; Breast and ovarian cancer. Identifiers: Orphanet 145, MedGen C0677776, MeSH D061325, MONDO:0003582. Disease mechanism: loss of function.
Familial cancer of breast. Also called: hereditary breast carcinoma; Hereditary breast cancer; BREAST CANCER, FAMILIAL. Identifiers: Orphanet 227535, MedGen C0346153, MONDO:0016419, OMIM 114480. Disease mechanism: loss of function.

Submissions (3):

Labcorp Genetics (formerly Invitae), Labcorp
Classification: Uncertain significance for Hereditary breast ovarian cancer syndrome. Last evaluated: 2025-04-08. Review status: criteria provided, single submitter. Criteria: Invitae Variant Classification Sherloc (09022015). Collection method: clinical testing. Allele origin: germline.
Comment: This variant, c.6051_6056del, results in the deletion of 2 amino acid(s) of the BRCA2 protein (p.Lys2017_Ser2018del), but otherwise preserves the integrity of the reading frame. This variant is not present in population databases (gnomAD no frequency). This variant has not been reported in the literature in individuals affected with BRCA2-related conditions. ClinVar contains an entry for this variant (Variation ID: 1038081). Experimental studies and prediction algorithms are not available or were not evaluated, and the functional significance of this variant is currently unknown. In summary, the available evidence is currently insufficient to determine the role of this variant in disease. Therefore, it has been classified as a Variant of Uncertain Significance.

Ambry Genetics
Classification: Uncertain significance for Hereditary cancer-predisposing syndrome. Last evaluated: 2024-08-30. Review status: criteria provided, single submitter. Criteria: Ambry Variant Classification Scheme 2023. Collection method: clinical testing. Allele origin: germline.
Comment: The c.6051_6056delAAGTAA variant (also known as p.K2017_S2018del) is located in coding exon 10 of the BRCA2 gene. This variant results from an in-frame AAGTAA deletion at nucleotide positions 6051 to 6056. This results in the in-frame deletion of lysine and serine residues at codons 2017 and 2018. These amino acid positions are not well conserved in available vertebrate species. In addition, this alteration is predicted to be deleterious by in silico analysis (Choi Y et al. PLoS ONE. 2012; 7(10):e46688). Based on the available evidence, the clinical significance of this variant remains unclear.

Baylor Genetics
Classification: Uncertain significance for Familial cancer of breast. Last evaluated: 2023-12-08. Review status: criteria provided, single submitter. Criteria: ACMG Guidelines, 2015. Collection method: clinical testing. Allele origin: unknown.

NM_000059.4(BRCA2):c.6051_6056del (p.Lys2017_Ser2018del)

Gene: BRCA2 (BRCA2 DNA repair associated; plus strand). Cytogenetic location: 13q13.1.
Variant type: Deletion.
Coding change: c.6051_6056del on transcript NM_000059.4 (MANE Select); coding-DNA positions 6051 to 6056, 6 bases deleted (AAGTAA; older notation c.6051_6056delAAGTAA).
Protein change: p.Lys2017_Ser2018del.
Molecular consequence: inframe deletion.
Genome position (GRCh38, 1-based): chr13:32,340,406-32,340,411, AAGTAA deleted; deleting any 6 consecutive bases within chr13:32,340,403-32,340,411 gives the same sequence; the c. name uses the placement nearest the transcript's 3' end. VCF-style (leftmost placement, unchanged base first): chr13-32340402-TTAAAAG-T. GRCh37 (hg19) VCF-style: chr13-32914539-TTAAAAG-T.
Other names: c.6051_6056delAAGTAA (NM_000059.3).
Identifiers: ClinVar variation 1038081 (VCV001038081.9), dbSNP rs2072545044, ClinGen allele CA2082809473.